The following is an entry in ClinVar:

ClinVar aggregate classification (germline): Uncertain significance (1 of 4 stars; one submission).

Conditions:
Charcot-Marie-Tooth disease axonal type 2O. Also called: CHARCOT-MARIE-TOOTH NEUROPATHY, AXONAL, TYPE 2O; CHARCOT-MARIE-TOOTH DISEASE, AXONAL, AUTOSOMAL DOMINANT, TYPE 2O; Charcot-Marie-Tooth Neuropathy Type 2O; Charcot-Marie-Tooth disease, axonal, type 20. Identifiers: Orphanet 284232, MedGen C3280220, MONDO:0013644, OMIM 614228.

Submission:

Labcorp Genetics (formerly Invitae), Labcorp
Classification: Uncertain significance for Charcot-Marie-Tooth disease axonal type 2O. Last evaluated: 2019-06-18. Review status: criteria provided, single submitter. Criteria: Invitae Variant Classification Sherloc (09022015). Collection method: clinical testing. Allele origin: germline.
Comment: In summary, the available evidence is currently insufficient to determine the role of this variant in disease. Therefore, it has been classified as a Variant of Uncertain Significance. Algorithms developed to predict the effect of missense changes on protein structure and function are either unavailable or do not agree on the potential impact of this missense change (SIFT: "Deleterious"; PolyPhen-2: "Benign"; Align-GVGD: "Class C25"). This variant has not been reported in the literature in individuals with DYNC1H1-related conditions. This variant is not present in population databases (ExAC no frequency). This sequence change replaces isoleucine with threonine at codon 4581 of the DYNC1H1 protein (p.Ile4581Thr). The isoleucine residue is highly conserved and there is a moderate physicochemical difference between isoleucine and threonine.

NM_001376.5(DYNC1H1):c.13742T>C (p.Ile4581Thr)

Gene: DYNC1H1 (dynein cytoplasmic 1 heavy chain 1; plus strand). Cytogenetic location: 14q32.31.
Variant type: single nucleotide variant.
Coding change: c.13742T>C on transcript NM_001376.5 (MANE Select); coding-DNA position 13742, T replaced by C.
Protein change: p.Ile4581Thr; replaces isoleucine 4581 with threonine.
Molecular consequence: missense variant.
Genome position (GRCh38, 1-based): chr14:102,050,128, T>C. VCF-style: chr14-102050128-T-C. GRCh37 (hg19) VCF-style: chr14-102516465-T-C.
Other names: short protein forms I4581T.
Identifiers: ClinVar variation 942538 (VCV000942538.9), dbSNP rs2048787027, ClinGen allele CA391051756.